The following is an entry in ClinVar:

ClinVar aggregate classification (germline): Pathogenic (1 of 4 stars; one submission).

Conditions:
Osteogenesis imperfecta type I (OI1). Also called: Lobstein disease; Classic Non-deforming Osteogenesis Imperfecta with Blue Sclerae; OI, TYPE I; OSTEOGENESIS IMPERFECTA TARDA; OSTEOGENESIS IMPERFECTA WITH BLUE SCLERAE; Osteogenesis imperfecta type 1. Identifiers: Orphanet 216796, Orphanet 666, MedGen C0023931, MONDO:0008146, OMIM 166200. Disease mechanism: loss of function.

Submission:

Labcorp Genetics (formerly Invitae), Labcorp
Classification: Pathogenic for Osteogenesis imperfecta type I. Last evaluated: 2021-06-29. Review status: criteria provided, single submitter. Criteria: Invitae Variant Classification Sherloc (09022015). Collection method: clinical testing. Allele origin: germline.
Comment: This sequence change creates a premature translational stop signal (p.Gly1142Serfs*31) in the COL1A1 gene. It is expected to result in an absent or disrupted protein product. Loss-of-function variants in COL1A1 are known to be pathogenic (PMID: 7942841, 9295084, 9443882). For these reasons, this variant has been classified as Pathogenic. Algorithms developed to predict the effect of sequence changes on RNA splicing suggest that this variant may disrupt the consensus splice site. This variant has not been reported in the literature in individuals affected with COL1A1-related conditions. This variant is not present in population databases (ExAC no frequency).

Literature cited by the submitters: PubMed 7942841; PubMed 9295084; PubMed 9443882.

NM_000088.4(COL1A1):c.3423_3423+1del

Gene: COL1A1 (collagen type I alpha 1 chain; minus strand). Cytogenetic location: 17q21.33.
Variant type: Deletion.
Coding change: c.3423_3423+1del on transcript NM_000088.4 (MANE Select); coding-DNA position 3423 through the canonical splice donor site of the intron after coding-DNA position 3423, 2 bases deleted (AG; older notation c.3423_3423+1delAG).
Molecular consequence: splice donor variant.
Genome position (GRCh38, 1-based): chr17:50,187,483-50,187,484, CT deleted on the plus strand (AG on the coding strand, the reverse complement: COL1A1 is on the minus strand); deleting any 2 consecutive bases within chr17:50,187,483-50,187,485 gives the same sequence; the c. name uses the placement nearest the transcript's 3' end. VCF-style (leftmost placement, unchanged base first): chr17-50187482-ACT-A. GRCh37 (hg19) VCF-style: chr17-48264843-ACT-A.
Identifiers: ClinVar variation 1456813 (VCV001456813.6), dbSNP rs2144540520, ClinGen allele CA2573154185.